The following is an entry in ClinVar:

NM_001845.6(COL4A1):c.4712C>A (p.Pro1571His)

Gene: COL4A1 (collagen type IV alpha 1 chain; minus strand). Cytogenetic location: 13q34.
Variant type: single nucleotide variant.
Coding change: c.4712C>A on transcript NM_001845.6 (MANE Select); coding-DNA position 4712, C replaced by A.
Protein change: p.Pro1571His; replaces proline 1571 with histidine.
Molecular consequence: missense variant.
Genome position (GRCh38, 1-based): chr13:110,155,326, G>T on the plus strand (C>A on the coding strand, the complement: COL4A1 is on the minus strand). VCF-style: chr13-110155326-G-T. GRCh37 (hg19) VCF-style: chr13-110807673-G-T.
Other names: short protein forms P1571H.
Identifiers: ClinVar variation 2429685 (VCV002429685.1), dbSNP rs775544336, ClinGen allele CA388655630.

ClinVar aggregate classification (germline): Uncertain significance (1 of 4 stars; one submission).

Submission:

GeneDx
Classification: Uncertain significance. Last evaluated: 2022-08-11. Review status: criteria provided, single submitter. Criteria: GeneDx Variant Classification Process June 2021. Collection method: clinical testing. Allele origin: germline. Affected: yes.
Comment: Not observed at significant frequency in large population cohorts (gnomAD); In silico analysis supports that this missense variant has a deleterious effect on protein structure/function; Has not been previously published as pathogenic or benign to our knowledge